The following is an entry in ClinVar:

ClinVar aggregate classification (germline): Benign (1 of 4 stars; one submission).

Allele frequency attached by ClinVar (database versions not stated): gnomAD 0.43949 and 0.44840; TOPMed 0.45514; 1000 Genomes Project 30x 0.56059; 1000 Genomes Project 0.56430.
gnomAD v4.1: 68,023 of 152,168 alleles (45%); highest among the groups gnomAD compares: East Asian, 69%; 15,867 homozygotes.

Submission:

GeneDx
Classification: Benign. Last evaluated: 2018-06-14. Review status: criteria provided, single submitter. Criteria: GeneDx Variant Classification (06012015). Collection method: clinical testing. Allele origin: germline. Affected: yes.
Comment: This variant is considered likely benign or benign based on one or more of the following criteria: it is a conservative change, it occurs at a poorly conserved position in the protein, it is predicted to be benign by multiple in silico algorithms, and/or has population frequency not consistent with disease.

NM_000282.4(PCCA):c.105+273G>A

Gene: PCCA (propionyl-CoA carboxylase subunit alpha; plus strand). Cytogenetic location: 13q32.3.
Variant type: single nucleotide variant.
Coding change: c.105+273G>A on transcript NM_000282.4 (MANE Select); 273 bases into the intron after coding-DNA position 105, G replaced by A.
Molecular consequence: intron variant.
Genome position (GRCh38, 1-based): chr13:100,089,498, G>A. VCF-style: chr13-100089498-G-A. GRCh37 (hg19) VCF-style: chr13-100741752-G-A.
Other names: c.105+273G>A (NM_001178004.2, NM_001352605.2, NM_001352606.2 and 4 more transcripts); c.-762+273G>A (NM_001352610.2, NM_001352611.2, NM_001352612.2).
Identifiers: ClinVar variation 683331 (VCV000683331.1), dbSNP rs7984311, ClinGen allele CA13798576.